The following is an entry in ClinVar:

NM_015063.3(SLC8A2):c.270C>T (p.Ala90=)

Gene: SLC8A2 (solute carrier family 8 member A2; minus strand). Cytogenetic location: 19q13.32.
Variant type: single nucleotide variant.
Coding change: c.270C>T on transcript NM_015063.3 (MANE Select); coding-DNA position 270, C replaced by T.
Protein change: p.Ala90=; no amino-acid change (alanine 90 retained).
Molecular consequence: synonymous variant.
Genome position (GRCh38, 1-based): chr19:47,466,134, G>A on the plus strand (C>T on the coding strand, the complement: SLC8A2 is on the minus strand). VCF-style: chr19-47466134-G-A. GRCh37 (hg19) VCF-style: chr19-47969391-G-A.
Identifiers: ClinVar variation 2650153 (VCV002650153.24), dbSNP rs148486399, ClinGen allele CA9540079.

ClinVar aggregate classification (germline): Likely benign (1 of 4 stars; one submission).

Allele frequency attached by ClinVar (database versions not stated): TOPMed 0.00010; gnomAD exomes 0.00013; gnomAD 0.00008; ExAC 0.00009; ESP Exome Variant Server 0.00015.
gnomAD v4.1: 203 of 1,614,186 alleles (0.013%); highest among the groups gnomAD compares: Middle Eastern, 0.049%; no homozygotes.

Submission:

CeGaT Center for Human Genetics Tuebingen
Classification: Likely benign. Last evaluated: 2022-07-01. Review status: criteria provided, single submitter. Criteria: CeGaT Center For Human Genetics Tuebingen Variant Classification Criteria Version 2. Collection method: clinical testing. Allele origin: germline. Affected: yes. Observed: 1 variant allele.
Comment: SLC8A2: BP4, BP7